The following is an entry in ClinVar:

ClinVar aggregate classification (germline): Uncertain significance (1 of 4 stars; one submission).

Conditions:
Inborn genetic diseases. Identifiers: MedGen C0950123, MeSH D030342.

Allele frequency attached by ClinVar (database versions not stated): gnomAD exomes below 0.00001; gnomAD 0.00001; TOPMed 0.00001.

Submission:

Ambry Genetics
Classification: Uncertain significance for Inborn genetic diseases. Last evaluated: 2023-10-10. Review status: criteria provided, single submitter. Criteria: Ambry Variant Classification Scheme 2023. Collection method: clinical testing. Allele origin: germline.
Comment: The p.R330H variant (also known as c.989G>A), located in coding exon 8 of the EPAS1 gene, results from a G to A substitution at nucleotide position 989. The arginine at codon 330 is replaced by histidine, an amino acid with highly similar properties. This amino acid position is conserved. In addition, this alteration is predicted to be tolerated by in silico analysis. Since supporting evidence is limited at this time, the clinical significance of this alteration remains unclear.

NM_001430.5(EPAS1):c.989G>A (p.Arg330His)

Gene: EPAS1 (endothelial PAS domain protein 1; plus strand). Cytogenetic location: 2p21.
Variant type: single nucleotide variant.
Coding change: c.989G>A on transcript NM_001430.5 (MANE Select); coding-DNA position 989, G replaced by A.
Protein change: p.Arg330His; replaces arginine 330 with histidine.
Molecular consequence: missense variant.
Genome position (GRCh38, 1-based): chr2:46,375,792, G>A. VCF-style: chr2-46375792-G-A. GRCh37 (hg19) VCF-style: chr2-46602931-G-A.
Other names: short protein forms R330H.
Identifiers: ClinVar variation 1768520 (VCV001768520.2), dbSNP rs1303549858, ClinGen allele CA346702913.
Genomic context (GRCh38, chr2:46,375,792, plus strand): 5'-TCGCAAAGCATGGGGGCTACGTGTGGCTGGAGACCCAGGGGACGGTCATCTACAACCCTC[G>A]CAACCTGCAGCCCCAGTGCATCATGTGTGTCAACTACGTCCTGAGGTAAGCATGTGAGGG-3'
Protein context (NP_001421.2, residues 320-340): ETQGTVIYNP[Arg330His]NLQPQCIMCV